The following is an entry in ClinVar:

ClinVar aggregate classification (germline): Uncertain significance (1 of 4 stars; one submission).

Allele frequency attached by ClinVar (database versions not stated): gnomAD exomes below 0.00001; TOPMed below 0.00001; gnomAD 0.00001.
gnomAD v4.1: 7 of 1,613,988 alleles (0.00043%); highest among the groups gnomAD compares: East Asian, 0.0022%; no homozygotes.

Submission:

Labcorp Genetics (formerly Invitae), Labcorp
Classification: Uncertain significance. Last evaluated: 2025-05-07. Review status: criteria provided, single submitter. Criteria: Invitae Variant Classification Sherloc (09022015). Collection method: clinical testing. Allele origin: germline.
Comment: This sequence change replaces serine, which is neutral and polar, with leucine, which is neutral and non-polar, at codon 120 of the PPP2R1A protein (p.Ser120Leu). This variant is present in population databases (no rsID available, gnomAD 0.01%). This variant has not been reported in the literature in individuals affected with PPP2R1A-related conditions. ClinVar contains an entry for this variant (Variation ID: 1518940). Invitae Evidence Modeling of protein sequence and biophysical properties (such as structural, functional, and spatial information, amino acid conservation, physicochemical variation, residue mobility, and thermodynamic stability) indicates that this missense variant is expected to disrupt PPP2R1A protein function with a positive predictive value of 80%. In summary, the available evidence is currently insufficient to determine the role of this variant in disease. Therefore, it has been classified as a Variant of Uncertain Significance.

NM_014225.6(PPP2R1A):c.359C>T (p.Ser120Leu)

Gene: PPP2R1A (protein phosphatase 2 scaffold subunit Aalpha; plus strand). Cytogenetic location: 19q13.41.
Variant type: single nucleotide variant.
Coding change: c.359C>T on transcript NM_014225.6 (MANE Select); coding-DNA position 359, C replaced by T.
Protein change: p.Ser120Leu; replaces serine 120 with leucine.
Molecular consequence: missense variant. On other transcripts: 5 prime UTR variant (1), non-coding transcript variant (1).
Genome position (GRCh38, 1-based): chr19:52,211,348, C>T. VCF-style: chr19-52211348-C-T. GRCh37 (hg19) VCF-style: chr19-52714601-C-T.
Other names: c.-179C>T (NM_001363656.2); short protein forms S120L.
Identifiers: ClinVar variation 1518940 (VCV001518940.8), dbSNP rs755649324, ClinGen allele CA407182381.